The following is an entry in ClinVar:

NM_001377265.1(MAPT):c.1900C>T (p.Arg634Cys)

Gene: MAPT (microtubule associated protein tau). Cytogenetic location: 17q21.31.
Variant type: single nucleotide variant.
Coding change: c.1900C>T on transcript NM_001377265.1 (MANE Select); coding-DNA position 1900, C replaced by T.
Protein change: p.Arg634Cys; replaces arginine 634 with cysteine.
Molecular consequence: missense variant. On other transcripts: non-coding transcript variant (1).
Genome position (GRCh38, 1-based): chr17:45,996,566, C>T. VCF-style: chr17-45996566-C-T. GRCh37 (hg19) VCF-style: chr17-44073932-C-T.
Other names: c.1729C>T, p.Arg577Cys (NM_001123066.4); c.637C>T, p.Arg213Cys (NM_001123067.4, NM_001203251.2, NM_001377267.1); c.724C>T, p.Arg242Cys (NM_001203252.2, NM_005910.6); c.1702C>T, p.Arg568Cys (NM_001377266.1); c.550C>T, p.Arg184Cys (NM_001377268.1, NM_016834.5, NM_016841.5); c.1675C>T, p.Arg559Cys (NM_016835.5); short protein forms R559C, R242C, R568C, R577C, R634C, R213C, R184C.
Identifiers: ClinVar variation 1987665 (VCV001987665.4), dbSNP rs2509987046, ClinGen allele CA399978271.
Genomic context (GRCh38, chr17:45,996,566, plus strand): 5'-GAGCCCAAGAAGGTGGCAGTGGTCCGTACTCCACCCAAGTCGCCGTCTTCCGCCAAGAGC[C>T]GCCTGCAGACAGCCCCCGTGCCCATGCCAGACCTGAAGAATGTCAAGTCCAAGATCGGCT-3'
Protein context (NP_001364194.1, residues 624-644): PPKSPSSAKS[Arg634Cys]LQTAPVPMPD

ClinVar aggregate classification (germline): Uncertain significance (1 of 4 stars; one submission).

Conditions:
Frontotemporal dementia (FTD1). Also called: FRONTOTEMPORAL LOBAR DEGENERATION WITH TAU INCLUSIONS; FTLD WITH TAU INCLUSIONS; Frontotemporal Dementia with Parkinsonism-17 (FTDP-17); FRONTOTEMPORAL DEMENTIA WITH PARKINSONISM; FRONTOTEMPORAL LOBE DEMENTIA; MULTIPLE SYSTEM TAUOPATHY WITH PRESENILE DEMENTIA. Identifiers: Orphanet 282, MedGen C0338451, MONDO:0017276, OMIM 600274, HP:0002145.

Allele frequency attached by ClinVar (database versions not stated): gnomAD exomes below 0.00001.
gnomAD v4.1: 3 of 1,613,746 alleles (0.00019%); highest among the groups gnomAD compares: Non-Finnish European, 0.00017%; no homozygotes.

Submission:

Labcorp Genetics (formerly Invitae), Labcorp
Classification: Uncertain significance for Frontotemporal dementia. Last evaluated: 2022-03-13. Review status: criteria provided, single submitter. Criteria: Invitae Variant Classification Sherloc (09022015). Collection method: clinical testing. Allele origin: germline.
Comment: In summary, the available evidence is currently insufficient to determine the role of this variant in disease. Therefore, it has been classified as a Variant of Uncertain Significance. Algorithms developed to predict the effect of missense changes on protein structure and function are either unavailable or do not agree on the potential impact of this missense change (SIFT: "Deleterious"; PolyPhen-2: "Probably Damaging"; Align-GVGD: "Class C0"). This variant has not been reported in the literature in individuals affected with MAPT-related conditions. This variant is not present in population databases (gnomAD no frequency). This sequence change replaces arginine, which is basic and polar, with cysteine, which is neutral and slightly polar, at codon 242 of the MAPT protein (p.Arg242Cys).